The following is an entry in ClinVar:

ClinVar aggregate classification (germline): Uncertain significance. Review status: criteria provided, multiple submitters, no conflicts (2 of 4 stars). 2 submissions from 2 submitters: Uncertain significance (2). Last evaluated 2025-02-11.

Conditions:
Developmental and epileptic encephalopathy, 36 (DEE36). Also called: ALG13-CDG; Epileptic encephalopathy, early infantile, 36; Congenital disorder of glycosylation, type Is. Identifiers: Orphanet 324422, MedGen C4317295, MONDO:0010472, OMIM 300884.

gnomAD v4.1: 1 of 1,189,830 alleles (0.000084%); highest among the groups gnomAD compares: Non-Finnish European, 0.00011%; no homozygotes.

Submissions (2):

Labcorp Genetics (formerly Invitae), Labcorp
Classification: Uncertain significance for Developmental and epileptic encephalopathy, 36. Last evaluated: 2025-02-11. Review status: criteria provided, single submitter. Criteria: Invitae Variant Classification Sherloc (09022015). Collection method: clinical testing. Allele origin: germline.
Comment: This sequence change replaces glycine, which is neutral and non-polar, with valine, which is neutral and non-polar, at codon 422 of the ALG13 protein (p.Gly422Val). This variant is not present in population databases (gnomAD no frequency). This variant has not been reported in the literature in individuals affected with ALG13-related conditions. ClinVar contains an entry for this variant (Variation ID: 1686440). Invitae Evidence Modeling of protein sequence and biophysical properties (such as structural, functional, and spatial information, amino acid conservation, physicochemical variation, residue mobility, and thermodynamic stability) has been performed for this missense variant. However, the output from this modeling did not meet the statistical confidence thresholds required to predict the impact of this variant on ALG13 protein function. In summary, the available evidence is currently insufficient to determine the role of this variant in disease. Therefore, it has been classified as a Variant of Uncertain Significance.

Mendelics
Classification: Uncertain significance. Last evaluated: 2022-05-04. Review status: criteria provided, single submitter. Criteria: Mendelics Assertion Criteria 2019. Collection method: clinical testing. Allele origin: germline.

NM_001099922.3(ALG13):c.1265G>T (p.Gly422Val)

Gene: ALG13 (ALG13 UDP-N-acetylglucosaminyltransferase subunit; plus strand). Cytogenetic location: Xq23.
Variant type: single nucleotide variant.
Coding change: c.1265G>T on transcript NM_001099922.3 (MANE Select); coding-DNA position 1265, G replaced by T.
Protein change: p.Gly422Val; replaces glycine 422 with valine.
Molecular consequence: missense variant. On other transcripts: non-coding transcript variant (1).
Genome position (GRCh38, 1-based): chrX:111,720,109, G>T. VCF-style: chrX-111720109-G-T. GRCh37 (hg19) VCF-style: chrX-110963337-G-T.
Other names: c.1031G>T, p.Gly344Val (NM_001257231.2); c.953G>T, p.Gly318Val (NM_001257234.2, NM_001257237.2, NM_001324293.1 and 1 more transcripts); c.1265G>T, p.Gly422Val (NM_001324292.2); short protein forms G318V, G344V, G422V.
Identifiers: ClinVar variation 1686440 (VCV001686440.3), dbSNP rs2148135895, ClinGen allele CA414251266.